The following is an entry in ClinVar:

ClinVar aggregate classification (germline): Conflicting classifications of pathogenicity. Review status: criteria provided, conflicting classifications (1 of 4 stars). 2 submissions from 2 submitters: Uncertain significance (1); Likely benign (1). Last evaluated 2024-12-24.

Conditions:
Inborn genetic diseases. Identifiers: MedGen C0950123, MeSH D030342.

Allele frequency attached by ClinVar (database versions not stated): gnomAD exomes below 0.00001; gnomAD 0.00001; ExAC 0.00003.
gnomAD v4.1: 8 of 1,613,794 alleles (0.0005%); highest among the groups gnomAD compares: East Asian, 0.011%; no homozygotes.

Submissions (2):

Ambry Genetics
Classification: Uncertain significance for Inborn genetic diseases. Last evaluated: 2024-12-24. Review status: criteria provided, single submitter. Criteria: Ambry Variant Classification Scheme 2023. Collection method: clinical testing. Allele origin: germline.

CeGaT Center for Human Genetics Tuebingen
Classification: Likely benign. Last evaluated: 2022-07-01. Review status: criteria provided, single submitter. Criteria: CeGaT Center For Human Genetics Tuebingen Variant Classification Criteria Version 2. Collection method: clinical testing. Allele origin: germline. Affected: yes. Observed: 1 variant allele.
Comment: FLG: BP4

NM_002016.2(FLG):c.1816G>A (p.Gly606Arg)

Genes: CCDST (cervical cancer associated DHX9 suppressive transcript; plus strand), FLG (filaggrin; minus strand). Cytogenetic location: 1q21.3.
Variant type: single nucleotide variant.
Coding change: c.1816G>A on transcript NM_002016.2 (MANE Select); coding-DNA position 1816, G replaced by A.
Protein change: p.Gly606Arg; replaces glycine 606 with arginine.
Molecular consequence: missense variant.
Genome position (GRCh38, 1-based): chr1:152,313,070, C>T on the plus strand (G>A on the coding strand, the complement: FLG is on the minus strand). VCF-style: chr1-152313070-C-T. GRCh37 (hg19) VCF-style: chr1-152285546-C-T.
Other names: short protein forms G606R.
Identifiers: ClinVar variation 2639314 (VCV002639314.25), dbSNP rs749271421, ClinGen allele CA1107460.
Genomic context (GRCh38, chr1:152,313,070, plus strand): 5'-CACTGTCCTGGCTAACACTGGATCCCTGGTTCCTACTTGTCCTGGGCCCCGATGATTGTC[C>T]CTGGCCCACCTGTGAGTGTCTAGAGCTGTCAGCCTGAGAGGAAGCTTCATGATGACGTGA-3'
Protein context (NP_002007.1, residues 596-616): DSSRHSQVGQ[Gly606Arg]QSSGPRTSRN